The following is an entry in ClinVar:

NM_000245.4(MET):c.351C>T (p.Asn117=)

Gene: MET (MET proto-oncogene, receptor tyrosine kinase; plus strand). Cytogenetic location: 7q31.2.
Variant type: single nucleotide variant.
Coding change: c.351C>T on transcript NM_000245.4 (MANE Select); coding-DNA position 351, C replaced by T.
Protein change: p.Asn117=; no amino-acid change (asparagine 117 retained).
Molecular consequence: synonymous variant. On other transcripts: intron variant (1).
Genome position (GRCh38, 1-based): chr7:116,699,435, C>T. VCF-style: chr7-116699435-C-T. GRCh37 (hg19) VCF-style: chr7-116339489-C-T.
Other names: c.351C>T, p.Asn117= (NM_001127500.3, NM_001324401.3); c.-91+26858C>T (NM_001324402.2).
Identifiers: ClinVar variation 3671480 (VCV003671480.4).

ClinVar aggregate classification (germline): Benign/Likely benign. Review status: criteria provided, multiple submitters, no conflicts (2 of 4 stars). 3 submissions from 3 submitters: Benign (1); Likely benign (2). Last evaluated 2025-04-17.

Conditions:
Renal cell carcinoma. Identifiers: Orphanet 217071, MedGen C0007134, MeSH D002292, MONDO:0005086, HP:0005584.
Papillary renal cell carcinoma type 1 (RCCP1). Also called: Renal adenocarcinoma; Renal cell carcinoma 1; Renal cell carcinoma, somatic; RENAL CELL CARCINOMA, PAPILLARY, 1, SOMATIC. Identifiers: Orphanet 47044, MedGen C1336839, OMIM 605074, HP:0011797.
Hereditary cancer-predisposing syndrome. Also called: Neoplastic Syndromes, Hereditary; Tumor predisposition; Hereditary Cancer Syndrome; Hereditary neoplastic syndrome. Identifiers: Orphanet 140162, MedGen C0027672, MeSH D009386, MONDO:0015356.

gnomAD v4.1: 1 of 1,614,050 alleles (0.000062%); highest among the groups gnomAD compares: South Asian, 0.0011%; no homozygotes.

Submissions (3):

Ambry Genetics
Classification: Likely benign for Hereditary cancer-predisposing syndrome. Last evaluated: 2025-04-17. Review status: criteria provided, single submitter. Criteria: Ambry Variant Classification Scheme 2023. Collection method: clinical testing. Allele origin: germline.

Myriad Genetics, Inc.
Classification: Benign for Papillary renal cell carcinoma type 1. Last evaluated: 2024-11-06. Review status: criteria provided, single submitter. Criteria: Myriad Autosomal Dominant, Autosomal Recessive and X-Linked Classification Criteria (2023). Collection method: clinical testing. Allele origin: unknown.
Comment: This variant is considered benign. This variant is a silent/synonymous amino acid change and it is not expected to impact splicing.

Labcorp Genetics (formerly Invitae), Labcorp
Classification: Likely benign for Renal cell carcinoma. Last evaluated: 2024-07-24. Review status: criteria provided, single submitter. Criteria: Invitae Variant Classification Sherloc (09022015). Collection method: clinical testing. Allele origin: germline.